The following is an entry in ClinVar:

NM_000536.4(RAG2):c.47_57del (p.Gln16fs)

Gene: RAG2 (recombination activating 2; minus strand). Cytogenetic location: 11p12.
Variant type: Deletion.
Coding change: c.47_57del on transcript NM_000536.4 (MANE Select); coding-DNA positions 47 to 57, 11 bases deleted (AGCCAGGCTTC).
Protein change: p.Gln16fs; shifts the reading frame from glutamine 16.
Molecular consequence: frameshift variant.
Genome position (GRCh38, 1-based): chr11:36,594,112-36,594,122, GAAGCCTGGCT deleted on the plus strand (AGCCAGGCTTC on the coding strand, the reverse complement: RAG2 is on the minus strand); deleting any 11 consecutive bases within chr11:36,594,112-36,594,125 gives the same sequence; the c. name uses the placement nearest the transcript's 3' end. VCF-style (leftmost placement, unchanged base first): chr11-36594111-AGAAGCCTGGCT-A. GRCh37 (hg19) VCF-style: chr11-36615661-AGAAGCCTGGCT-A.
Other names: c.47_57del, p.Gln16fs (NM_001243785.2, NM_001243786.2); short protein forms Q16fs.
Identifiers: ClinVar variation 1360692 (VCV001360692.8), dbSNP rs2133316487, ClinGen allele CA2573146312.

ClinVar aggregate classification (germline): Pathogenic (1 of 4 stars; one submission).

Conditions:
Severe combined immunodeficiency, autosomal recessive, T cell-negative, B cell-negative, NK cell-positive. Also called: SCID, T CELL-NEGATIVE, B CELL-NEGATIVE, NK CELL-POSITIVE; Severe combined immunodeficiency due to complete RAG1/2 deficiency; SCID, AR, T-cell negative, B-cell negative, NK cell-positive. Identifiers: Orphanet 331206, MedGen C1832322, MONDO:0011086, OMIM 601457.
Combined immunodeficiency with skin granulomas. Identifiers: Orphanet 157949, MedGen C2673536, MONDO:0009306, OMIM 233650.

Submission:

Labcorp Genetics (formerly Invitae), Labcorp
Classification: Pathogenic for Combined immunodeficiency with skin granulomas; Severe combined immunodeficiency, autosomal recessive, T cell-negative, B cell-negative, NK cell-positive. Last evaluated: 2021-03-22. Review status: criteria provided, single submitter. Criteria: Invitae Variant Classification Sherloc (09022015). Collection method: clinical testing. Allele origin: germline.
Comment: This variant disrupts the C-terminus of the RAG2 protein. Other variant(s) that disrupt this region (p.Glu480*) have been determined to be pathogenic (PMID: 21624848, 29772310). This suggests that variants that disrupt this region of the protein are likely to be causative of disease. For these reasons, this variant has been classified as Pathogenic. This variant has not been reported in the literature in individuals with RAG2-related conditions. This variant is not present in population databases (ExAC no frequency). This sequence change creates a premature translational stop signal (p.Gln16Leufs*6) in the RAG2 gene. While this is not anticipated to result in nonsense mediated decay, it is expected to disrupt the last 512 amino acid(s) of the RAG2 protein.

Literature cited by the submitters: PubMed 21624848; PubMed 29772310.